The following is an entry in ClinVar:

NM_032578.4(MYPN):c.2314A>G (p.Thr772Ala)

Gene: MYPN (myopalladin; plus strand). Cytogenetic location: 10q21.3.
Variant type: single nucleotide variant.
Coding change: c.2314A>G on transcript NM_032578.4 (MANE Select); coding-DNA position 2314, A replaced by G.
Protein change: p.Thr772Ala; replaces threonine 772 with alanine.
Molecular consequence: missense variant. On other transcripts: non-coding transcript variant (2).
Genome position (GRCh38, 1-based): chr10:68,174,406, A>G. VCF-style: chr10-68174406-A-G. GRCh37 (hg19) VCF-style: chr10-69934163-A-G.
Other names: c.2314A>G, p.Thr772Ala (NM_001256267.2); c.1432A>G, p.Thr478Ala (NM_001256268.2); short protein forms T772A, T478A.
Identifiers: ClinVar variation 412013 (VCV000412013.6), dbSNP rs1060503577, ClinGen allele CA16612834.

ClinVar aggregate classification (germline): Uncertain significance (1 of 4 stars; one submission).

Conditions:
Dilated cardiomyopathy 1KK (CMD1KK). Identifiers: Orphanet 154, Orphanet 75249, MedGen C3714995, MONDO:0014100, OMIM 615248.

Allele frequency attached by ClinVar (database versions not stated): gnomAD exomes below 0.00001.
gnomAD v4.1: 4 of 1,613,924 alleles (0.00025%); highest among the groups gnomAD compares: Non-Finnish European, 0.00034%; no homozygotes.

Submission:

Labcorp Genetics (formerly Invitae), Labcorp
Classification: Uncertain significance for Dilated cardiomyopathy 1KK. Last evaluated: 2016-07-10. Review status: criteria provided, single submitter. Criteria: Invitae Variant Classification Sherloc (09022015). Collection method: clinical testing. Allele origin: germline.
Comment: This variant is not present in population databases (ExAC no frequency) and has not been reported in the literature in individuals with a MYPN-related disease. In summary, this variant is a novel missense change with uncertain impact on protein function and splicing. It has been classified as a Variant of Uncertain Significance. Algorithms developed to predict the effect of sequence changes on mRNA splicing suggest that this variant may alter mRNA splicing, but this prediction has not been confirmed by published transcriptional studies. Algorithms developed to predict the effect of missense changes on protein structure and function (SIFT, PolyPhen-2, Align-GVGD) all suggest that this variant is likely to be tolerated, but these predictions have not been confirmed by published functional studies. This sequence change replaces threonine with alanine at codon 772 of the MYPN protein (p.Thr772Ala). The threonine residue is weakly conserved and there is a small physicochemical difference between threonine and alanine.